The following is an entry in ClinVar:

ClinVar aggregate classification (germline): Uncertain significance. Review status: criteria provided, multiple submitters, no conflicts (2 of 4 stars). 2 submissions from 2 submitters: Uncertain significance (2). Last evaluated 2025-04-03.

gnomAD v4.1: 6 of 1,606,788 alleles (0.00037%); highest among the groups gnomAD compares: Admixed American, 0.0017%; no homozygotes.

Submissions (2):

Ambry Genetics
Classification: Uncertain significance. Last evaluated: 2025-04-03. Review status: criteria provided, single submitter. Criteria: Ambry Variant Classification Scheme 2023. Collection method: clinical testing. Allele origin: germline.

Labcorp Genetics (formerly Invitae), Labcorp
Classification: Uncertain significance. Last evaluated: 2024-07-09. Review status: criteria provided, single submitter. Criteria: Invitae Variant Classification Sherloc (09022015). Collection method: clinical testing. Allele origin: germline.
Comment: This sequence change replaces leucine, which is neutral and non-polar, with phenylalanine, which is neutral and non-polar, at codon 272 of the ZHX3 protein (p.Leu272Phe). This variant is present in population databases (no rsID available, gnomAD 0.003%). This variant has not been reported in the literature in individuals affected with ZHX3-related conditions. An algorithm developed to predict the effect of missense changes on protein structure and function (PolyPhen-2) suggests that this variant is likely to be disruptive. In summary, the available evidence is currently insufficient to determine the role of this variant in disease. Therefore, it has been classified as a Variant of Uncertain Significance.

NM_001384317.1(ZHX3):c.814C>T (p.Leu272Phe)

Gene: ZHX3 (zinc fingers and homeoboxes 3; minus strand). Cytogenetic location: 20q12.
Variant type: single nucleotide variant.
Coding change: c.814C>T on transcript NM_001384317.1 (MANE Select); coding-DNA position 814, C replaced by T.
Protein change: p.Leu272Phe; replaces leucine 272 with phenylalanine.
Molecular consequence: missense variant.
Genome position (GRCh38, 1-based): chr20:41,204,103, G>A on the plus strand (C>T on the coding strand, the complement: ZHX3 is on the minus strand). VCF-style: chr20-41204103-G-A. GRCh37 (hg19) VCF-style: chr20-39832743-G-A.
Other names: c.814C>T (NM_015035.3); c.814C>T, p.Leu272Phe (NM_001384324.1, NM_001384325.1, NM_015035.4 and 8 more transcripts); short protein forms L272F.
Identifiers: ClinVar variation 3697321 (VCV003697321.3).